The following is an entry in ClinVar:

NM_000112.4(SLC26A2):c.906_907del (p.Leu302_Cys303insTer)

Gene: SLC26A2 (solute carrier family 26 member 2; plus strand). Cytogenetic location: 5q32.
Variant type: Microsatellite.
Coding change: c.906_907del on transcript NM_000112.4 (MANE Select); coding-DNA positions 906 to 907, 2 bases deleted (CT; older notation c.906_907delCT).
Protein change: p.Leu302_Cys303insTer.
Molecular consequence: frameshift variant.
Genome position (GRCh38, 1-based): chr5:149,980,499-149,980,500, CT deleted; deleting any 2 consecutive bases within chr5:149,980,496-149,980,500 gives the same sequence; the c. name uses the placement nearest the transcript's 3' end. VCF-style (leftmost placement, unchanged base first): chr5-149980495-ATC-A. GRCh37 (hg19) VCF-style: chr5-149360058-ATC-A.
Other names: c.906_907delCT (NM_000112.3).
Identifiers: ClinVar variation 56029 (VCV000056029.6), dbSNP rs386833509, ClinGen allele CA263277.

ClinVar aggregate classification (germline): Pathogenic/Likely pathogenic. Review status: criteria provided, multiple submitters, no conflicts (2 of 4 stars). 3 submissions from 3 submitters: Pathogenic (1); Likely pathogenic (1). 1 of the submissions does not count toward it. Last evaluated 2023-07-25.

Conditions:
Achondrogenesis, type IB (ACG1B). Also called: Achondrogenesis Type 1B. Identifiers: Orphanet 932, Orphanet 93298, MedGen C0265274, MONDO:0010966, OMIM 600972.
Multiple epiphyseal dysplasia type 4 (EDM4). Also called: MULTIPLE EPIPHYSEAL DYSPLASIA, AUTOSOMAL RECESSIVE; MULTIPLE EPIPHYSEAL DYSPLASIA WITH BILAYERED PATELLAE; MULTIPLE EPIPHYSEAL DYSPLASIA WITH CLUBFOOT; Multiple Epiphyseal Dysplasia, Recessive; SLC26A2-Related Multiple Epiphyseal Dysplasia. Identifiers: Orphanet 93307, MedGen C1847593, MONDO:0009189, OMIM 226900.
Atelosteogenesis type II (AO2). Also called: NEONATAL OSSEOUS DYSPLASIA I; SLC26A2-Related Atelosteogenesis; Neonatal osseous dysplasia 1. Identifiers: Orphanet 56304, MedGen C1850554, MONDO:0009727, OMIM 256050.
Diastrophic dysplasia (DTD). Also called: Diastrophic dwarfism. Identifiers: Orphanet 628, MedGen C0220726, MONDO:0009107, OMIM 222600.

Submissions (3):

Labcorp Genetics (formerly Invitae), Labcorp
Classification: Pathogenic for Atelosteogenesis type II; Multiple epiphyseal dysplasia type 4; Achondrogenesis, type IB; Diastrophic dysplasia. Last evaluated: 2023-07-25. Review status: criteria provided, single submitter. Criteria: Invitae Variant Classification Sherloc (09022015). Collection method: clinical testing. Allele origin: germline.
Comment: For these reasons, this variant has been classified as Pathogenic. This variant disrupts a region of the SLC26A2 protein in which other variant(s) (p.Ala715Val) have been determined to be pathogenic (PMID: 21077204). This suggests that this is a clinically significant region of the protein, and that variants that disrupt it are likely to be disease-causing. ClinVar contains an entry for this variant (Variation ID: 56029). This premature translational stop signal has been observed in individual(s) with skeletal dysplasia (PMID: 11241838). This variant is present in population databases (rs752197406, gnomAD 0.003%). This sequence change creates a premature translational stop signal (p.Cys303*) in the SLC26A2 gene. While this is not anticipated to result in nonsense mediated decay, it is expected to disrupt the last 437 amino acid(s) of the SLC26A2 protein.

Baylor Genetics
Classification: Likely pathogenic for Achondrogenesis, type IB. Last evaluated: 2023-07-02. Review status: criteria provided, single submitter. Criteria: ACMG Guidelines, 2015. Collection method: clinical testing. Allele origin: unknown.

Juha Muilu Group; Institute for Molecular Medicine Finland (FIMM)
Classification: Likely pathogenic for Diastrophic dysplasia. Review status: no assertion criteria provided. Collection method: not provided. Allele origin: unknown. Not counted in ClinVar's aggregate classification.
Comment: FinDis database variant: This variant was not found or characterized by our laboratory, data were collected from public sources: see reference
ClinVar note: Converted during submission from probable-pathogenic to Likely pathogenic.

Literature cited by the submitters: PubMed 21077204 (cited by Labcorp Genetics (formerly Invitae), Labcorp); PubMed 11241838 (cited by Labcorp Genetics (formerly Invitae), Labcorp).